The following is an entry in ClinVar:

NM_000303.3(PMM2):c.544G>C (p.Val182Leu)

Gene: PMM2 (phosphomannomutase 2; plus strand). Cytogenetic location: 16p13.2.
Variant type: single nucleotide variant.
Coding change: c.544G>C on transcript NM_000303.3 (MANE Select); coding-DNA position 544, G replaced by C.
Protein change: p.Val182Leu; replaces valine 182 with leucine.
Molecular consequence: missense variant.
Genome position (GRCh38, 1-based): chr16:8,813,011, G>C. VCF-style: chr16-8813011-G-C. GRCh37 (hg19) VCF-style: chr16-8906868-G-C.
Other names: short protein forms V182L.
Identifiers: ClinVar variation 1504833 (VCV001504833.8), dbSNP rs750862179, ClinGen allele CA394697725.

ClinVar aggregate classification (germline): Uncertain significance (1 of 4 stars; one submission).

Conditions:
PMM2-congenital disorder of glycosylation. Also called: PMM2-CDG; CARBOHYDRATE-DEFICIENT GLYCOPROTEIN SYNDROME, TYPE Ia; PHOSPHOMANNOMUTASE 2 DEFICIENCY; CDG Ia; JAEKEN SYNDROME; Congenital disorder of glycosylation, type Ia. Identifiers: Orphanet 79318, MedGen C0349653, MONDO:0008907, OMIM 212065.

Submission:

Labcorp Genetics (formerly Invitae), Labcorp
Classification: Uncertain significance for PMM2-congenital disorder of glycosylation. Last evaluated: 2021-04-10. Review status: criteria provided, single submitter. Criteria: Invitae Variant Classification Sherloc (09022015). Collection method: clinical testing. Allele origin: germline.
Comment: This variant is not present in population databases (ExAC no frequency). In summary, the available evidence is currently insufficient to determine the role of this variant in disease. Therefore, it has been classified as a Variant of Uncertain Significance. Algorithms developed to predict the effect of missense changes on protein structure and function (SIFT, PolyPhen-2, Align-GVGD) all suggest that this variant is likely to be disruptive, but these predictions have not been confirmed by published functional studies and their clinical significance is uncertain. This variant has not been reported in the literature in individuals with PMM2-related conditions. This sequence change replaces valine with leucine at codon 182 of the PMM2 protein (p.Val182Leu). The valine residue is highly conserved and there is a small physicochemical difference between valine and leucine.